The following is an entry in ClinVar:

ClinVar aggregate classification (germline): Uncertain significance. Review status: criteria provided, multiple submitters, no conflicts (2 of 4 stars). 2 submissions from 2 submitters: Uncertain significance (2). Last evaluated 2025-05-26.

Conditions:
Inborn genetic diseases. Identifiers: MedGen C0950123, MeSH D030342.

Allele frequency attached by ClinVar (database versions not stated): TOPMed 0.00002; ExAC 0.00007; ESP Exome Variant Server 0.00008; gnomAD exomes 0.00006 and 0.00005; gnomAD 0.00003.

Submissions (2):

Ambry Genetics
Classification: Uncertain significance for Inborn genetic diseases. Last evaluated: 2025-05-26. Review status: criteria provided, single submitter. Criteria: Ambry Variant Classification Scheme 2023. Collection method: clinical testing. Allele origin: germline.

Labcorp Genetics (formerly Invitae), Labcorp
Classification: Uncertain significance. Last evaluated: 2022-08-09. Review status: criteria provided, single submitter. Criteria: Invitae Variant Classification Sherloc (09022015). Collection method: clinical testing. Allele origin: germline.
Comment: This sequence change replaces arginine, which is basic and polar, with tryptophan, which is neutral and slightly polar, at codon 257 of the COL13A1 protein (p.Arg257Trp). This variant is present in population databases (rs371135447, gnomAD 0.03%). This variant has not been reported in the literature in individuals affected with COL13A1-related conditions. ClinVar contains an entry for this variant (Variation ID: 1385031). Algorithms developed to predict the effect of missense changes on protein structure and function (SIFT, PolyPhen-2, Align-GVGD) all suggest that this variant is likely to be disruptive. Algorithms developed to predict the effect of sequence changes on RNA splicing suggest that this variant may create or strengthen a splice site. In summary, the available evidence is currently insufficient to determine the role of this variant in disease. Therefore, it has been classified as a Variant of Uncertain Significance.

NM_001368882.1(COL13A1):c.739C>T (p.Arg247Trp)

Gene: COL13A1 (collagen type XIII alpha 1 chain; plus strand). Cytogenetic location: 10q22.1.
Variant type: single nucleotide variant.
Coding change: c.739C>T on transcript NM_001368882.1 (MANE Select); coding-DNA position 739, C replaced by T.
Protein change: p.Arg247Trp; replaces arginine 247 with tryptophan.
Molecular consequence: missense variant. On other transcripts: intron variant (3).
Genome position (GRCh38, 1-based): chr10:69,898,751, C>T. VCF-style: chr10-69898751-C-T. GRCh37 (hg19) VCF-style: chr10-71658507-C-T.
Other names: c.769C>T, p.Arg257Trp (NM_001130103.2); c.739C>T, p.Arg247Trp (NM_001320951.2, NM_001368884.1); c.703C>T, p.Arg235Trp (NM_001368883.1, NM_001368885.1); c.139C>T, p.Arg47Trp (NM_001368886.1); c.649C>T, p.Arg217Trp (NM_001368895.1); c.598C>T, p.Arg200Trp (NM_001368896.1, NM_001368898.1, NM_080798.4); c.625C>T, p.Arg209Trp (NM_001368897.1); c.712C>T, p.Arg238Trp (NM_080800.4); and 3 more; short protein forms R209W, R247W, R217W, R200W, R235W, R238W, R257W, R47W.
Identifiers: ClinVar variation 1385031 (VCV001385031.4), dbSNP rs371135447, ClinGen allele CA5534418.